The following is an entry in ClinVar:

ClinVar aggregate classification (germline): Uncertain significance (1 of 4 stars; one submission).

Conditions:
Neuropathy, hereditary sensory and autonomic, type 2A (HSAN2A). Also called: ACROOSTEOLYSIS, GIACCAI TYPE; ACROOSTEOLYSIS, NEUROGENIC; MORVAN DISEASE; NEUROPATHY, CONGENITAL SENSORY; NEUROPATHY, HEREDITARY SENSORY RADICULAR, AUTOSOMAL RECESSIVE; NEUROPATHY, HEREDITARY SENSORY, TYPE IIA. Identifiers: Orphanet 970, MedGen C2752089, MONDO:0024309, OMIM 201300.
Generalized epilepsy with febrile seizures plus, type 7 (GEFSP7). Also called: GEFS+, TYPE 7. Identifiers: Orphanet 36387, MedGen C2751778, MONDO:0013470, OMIM 613863.

gnomAD v4.1: 3 of 1,587,596 alleles (0.00019%); highest among the groups gnomAD compares: South Asian, 0.0011%; no homozygotes.

Submission:

Labcorp Genetics (formerly Invitae), Labcorp
Classification: Uncertain significance for Neuropathy, hereditary sensory and autonomic, type 2A; Generalized epilepsy with febrile seizures plus, type 7. Last evaluated: 2025-04-14. Review status: criteria provided, single submitter. Criteria: Invitae Variant Classification Sherloc (09022015). Collection method: clinical testing. Allele origin: germline.
Comment: This sequence change replaces phenylalanine, which is neutral and non-polar, with leucine, which is neutral and non-polar, at codon 722 of the SCN9A protein (p.Phe722Leu). This variant is not present in population databases (gnomAD no frequency). This variant has not been reported in the literature in individuals affected with SCN9A-related conditions. Invitae Evidence Modeling of protein sequence and biophysical properties (such as structural, functional, and spatial information, amino acid conservation, physicochemical variation, residue mobility, and thermodynamic stability) indicates that this missense variant is not expected to disrupt SCN9A protein function with a negative predictive value of 95%. In summary, the available evidence is currently insufficient to determine the role of this variant in disease. Therefore, it has been classified as a Variant of Uncertain Significance.

NM_001365536.1(SCN9A):c.2199C>A (p.Phe733Leu)

Genes: SCN1A-AS1 (SCN1A and SCN9A antisense RNA 1; plus strand), SCN9A (sodium voltage-gated channel alpha subunit 9; minus strand). Cytogenetic location: 2q24.3.
Variant type: single nucleotide variant.
Coding change: c.2199C>A on transcript NM_001365536.1 (MANE Select); coding-DNA position 2199, C replaced by A.
Protein change: p.Phe733Leu; replaces phenylalanine 733 with leucine.
Molecular consequence: missense variant.
Genome position (GRCh38, 1-based): chr2:166,280,501, G>T on the plus strand (C>A on the coding strand, the complement: SCN9A is on the minus strand). VCF-style: chr2-166280501-G-T. GRCh37 (hg19) VCF-style: chr2-167137011-G-T.
Other names: c.2166C>A, p.Phe722Leu (NM_002977.4); short protein forms F722L, F733L.
Identifiers: ClinVar variation 4788610 (VCV004788610.1).
Genomic context (GRCh38, chr2:166,280,501, plus strand): 5'-GCAAATGGTAATTGCAAGATCTACAAAAGGATCCATTACAATAAAATAGATACACTTTTT[G>T]AATTTTATCCAATATGGAGAGCAATTCCAGATCAAGAATTTGTGTGCAAATCTGTACCAC-3'
Protein context (NP_001352465.1, residues 723-743): IWNCSPYWIK[Phe733Leu]KKCIYFIVMD